The following is an entry in ClinVar:

NM_001267550.2(TTN):c.74398A>C (p.Thr24800Pro)

Genes: TTN (titin; minus strand), TTN-AS1 (TTN antisense RNA 1; plus strand). Cytogenetic location: 2q31.2.
Variant type: single nucleotide variant.
Coding change: c.74398A>C on transcript NM_001267550.2 (MANE Select); coding-DNA position 74398, A replaced by C.
Protein change: p.Thr24800Pro; replaces threonine 24800 with proline.
Molecular consequence: missense variant.
Genome position (GRCh38, 1-based): chr2:178,571,734, T>G on the plus strand (A>C on the coding strand, the complement: TTN is on the minus strand). VCF-style: chr2-178571734-T-G. GRCh37 (hg19) VCF-style: chr2-179436461-T-G.
Other names: c.69475A>C, p.Thr23159Pro (NM_001256850.1); c.47203A>C, p.Thr15735Pro (NM_003319.4); c.66694A>C, p.Thr22232Pro (NM_133378.4); c.47578A>C, p.Thr15860Pro (NM_133432.3); c.47779A>C, p.Thr15927Pro (NM_133437.4); short protein forms T15735P, T15860P, T15927P, T22232P, T23159P, T24800P.
Identifiers: ClinVar variation 3372439 (VCV003372439.1).

ClinVar aggregate classification (germline): Uncertain significance (1 of 4 stars; one submission).

Submission:

GeneDx
Classification: Uncertain significance. Last evaluated: 2024-04-25. Review status: criteria provided, single submitter. Criteria: GeneDx Variant Classification Process June 2021. Collection method: clinical testing. Allele origin: germline. Affected: yes.
Comment: Not observed at significant frequency in large population cohorts (gnomAD); Missense variant in a gene in which most reported pathogenic variants are truncating/loss of function; Has not been previously published as pathogenic or benign to our knowledge